The following is an entry in ClinVar:

NM_004380.3(CREBBP):c.584A>G (p.His195Arg)

Gene: CREBBP (CREB binding lysine acetyltransferase; minus strand). Cytogenetic location: 16p13.3.
Variant type: single nucleotide variant.
Coding change: c.584A>G on transcript NM_004380.3 (MANE Select); coding-DNA position 584, A replaced by G.
Protein change: p.His195Arg; replaces histidine 195 with arginine.
Molecular consequence: missense variant.
Genome position (GRCh38, 1-based): chr16:3,850,511, T>C on the plus strand (A>G on the coding strand, the complement: CREBBP is on the minus strand). VCF-style: chr16-3850511-T-C. GRCh37 (hg19) VCF-style: chr16-3900512-T-C.
Other names: c.584A>G, p.His195Arg (NM_001079846.1); short protein forms H195R.
Identifiers: ClinVar variation 4989974 (VCV004989974.1).

ClinVar aggregate classification (germline): Uncertain significance (1 of 4 stars; one submission).

Conditions:
CREBBP-related disorder. Also called: CREBBP-related disorders; CREBBP-related condition.

gnomAD v4.1: 8 of 1,614,252 alleles (0.0005%); highest among the groups gnomAD compares: Non-Finnish European, 0.00068%; no homozygotes.

Submission:

PreventionGenetics, part of Exact Sciences
Classification: Uncertain significance for CREBBP-related condition. Last evaluated: 2025-06-20. Review status: criteria provided, single submitter. Criteria: ACMG Guidelines, 2015. Collection method: clinical testing. Allele origin: germline.
Comment: The CREBBP c.584A>G variant is predicted to result in the amino acid substitution p.His195Arg. To our knowledge, this variant has not been reported in the literature or in a large population database (gnomAD), indicating this variant is rare. At this time, the clinical significance of this variant is uncertain due to the absence of conclusive functional and genetic evidence.